The following is an entry in ClinVar:

ClinVar aggregate classification (germline): Uncertain significance. Review status: criteria provided, multiple submitters, no conflicts (2 of 4 stars). 2 submissions from 2 submitters: Uncertain significance (2). Last evaluated 2026-01-12.

Allele frequency attached by ClinVar (database versions not stated): gnomAD exomes 0.00001; gnomAD 0.00003; TOPMed 0.00005; ESP Exome Variant Server 0.00008.
gnomAD v4.1: 39 of 1,613,984 alleles (0.0024%); highest among the groups gnomAD compares: Middle Eastern, 0.016%; no homozygotes.

Submissions (2):

Labcorp Genetics (formerly Invitae), Labcorp
Classification: Uncertain significance. Last evaluated: 2026-01-12. Review status: criteria provided, single submitter. Criteria: Invitae Variant Classification Sherloc (09022015). Collection method: clinical testing. Allele origin: germline.
Comment: This sequence change replaces valine, which is neutral and non-polar, with isoleucine, which is neutral and non-polar, at codon 442 of the PRPF4 protein (p.Val442Ile). This variant is present in population databases (rs143050368, gnomAD 0.004%). This variant has not been reported in the literature in individuals affected with PRPF4-related conditions. ClinVar contains an entry for this variant (Variation ID: 950812). An algorithm developed to predict the effect of missense changes on protein structure and function outputs the following: PolyPhen-2: "Benign". The isoleucine amino acid residue is found in multiple mammalian species, which suggests that this missense change does not adversely affect protein function. In summary, the available evidence is currently insufficient to determine the role of this variant in disease. Therefore, it has been classified as a Variant of Uncertain Significance.

Ambry Genetics
Classification: Uncertain significance. Last evaluated: 2023-07-11. Review status: criteria provided, single submitter. Criteria: Ambry Variant Classification Scheme 2023. Collection method: clinical testing. Allele origin: germline.

NM_001244926.2(PRPF4):c.1321G>A (p.Val441Ile)

Gene: PRPF4 (pre-mRNA splicing tri-snRNP complex factor PRPF4; plus strand). Cytogenetic location: 9q32.
Variant type: single nucleotide variant.
Coding change: c.1321G>A on transcript NM_001244926.2 (MANE Select); coding-DNA position 1321, G replaced by A.
Protein change: p.Val441Ile; replaces valine 441 with isoleucine.
Molecular consequence: missense variant. On other transcripts: non-coding transcript variant (2).
Genome position (GRCh38, 1-based): chr9:113,290,965, G>A. VCF-style: chr9-113290965-G-A. GRCh37 (hg19) VCF-style: chr9-116053245-G-A.
Other names: c.595G>A, p.Val199Ile (NM_001322266.2, NM_001322267.2); c.1324G>A, p.Val442Ile (NM_004697.5); short protein forms V199I, V441I, V442I.
Identifiers: ClinVar variation 950812 (VCV000950812.11), dbSNP rs143050368, ClinGen allele CA198550462.